The following is an entry in ClinVar:

ClinVar aggregate classification (germline): Uncertain significance (1 of 4 stars; one submission).

Conditions:
Inborn genetic diseases. Identifiers: MedGen C0950123, MeSH D030342.

Allele frequency attached by ClinVar (database versions not stated): gnomAD exomes below 0.00001; TOPMed below 0.00001; gnomAD 0.00001.
gnomAD v4.1: 4 of 1,614,194 alleles (0.00025%); highest among the groups gnomAD compares: South Asian, 0.0011%; no homozygotes.

Submission:

Ambry Genetics
Classification: Uncertain significance for Inborn genetic diseases. Last evaluated: 2021-08-04. Review status: criteria provided, single submitter. Criteria: Ambry Variant Classification Scheme 2023. Collection method: clinical testing. Allele origin: germline.
Comment: The p.V130I variant (also known as c.388G>A), located in coding exon 6 of the ERCC2 gene, results from a G to A substitution at nucleotide position 388. The valine at codon 130 is replaced by isoleucine, an amino acid with highly similar properties. This amino acid position is conserved. In addition, this alteration is predicted to be tolerated by in silico analysis. Since supporting evidence is limited at this time, the clinical significance of this alteration remains unclear.

NM_000400.4(ERCC2):c.388G>A (p.Val130Ile)

Gene: ERCC2 (ERCC excision repair 2, TFIIH core complex helicase subunit; minus strand). Cytogenetic location: 19q13.32.
Variant type: single nucleotide variant.
Coding change: c.388G>A on transcript NM_000400.4 (MANE Select); coding-DNA position 388, G replaced by A.
Protein change: p.Val130Ile; replaces valine 130 with isoleucine.
Molecular consequence: missense variant.
Genome position (GRCh38, 1-based): chr19:45,365,131, C>T on the plus strand (G>A on the coding strand, the complement: ERCC2 is on the minus strand). VCF-style: chr19-45365131-C-T. GRCh37 (hg19) VCF-style: chr19-45868389-C-T.
Other names: c.316G>A, p.Val106Ile (NM_001130867.2); short protein forms V106I, V130I.
Identifiers: ClinVar variation 1735889 (VCV001735889.2), dbSNP rs1265794840, ClinGen allele CA406376171.